The following is an entry in ClinVar:

ClinVar aggregate classification (germline): Uncertain significance (1 of 4 stars; one submission).

Conditions:
Facioscapulohumeral muscular dystrophy 2 (FSHD2). Also called: MUSCULAR DYSTROPHY, FACIOSCAPULOHUMERAL, TYPE 1B; FACIOSCAPULOHUMERAL MUSCULAR DYSTROPHY 2, DIGENIC; FSHD2, DIGENIC. Identifiers: Orphanet 269, MedGen C1834671, MONDO:0008031, OMIM 158901.

gnomAD v4.1: 2 of 1,609,644 alleles (0.00012%); highest among the groups gnomAD compares: Non-Finnish European, 0.00017%; no homozygotes.

Submission:

Labcorp Genetics (formerly Invitae), Labcorp
Classification: Uncertain significance for Facioscapulohumeral muscular dystrophy 2. Last evaluated: 2024-06-15. Review status: criteria provided, single submitter. Criteria: Invitae Variant Classification Sherloc (09022015). Collection method: clinical testing. Allele origin: germline.
Comment: This sequence change replaces isoleucine, which is neutral and non-polar, with valine, which is neutral and non-polar, at codon 311 of the SMCHD1 protein (p.Ile311Val). This variant is present in population databases (rs758650082, gnomAD 0.007%). This variant has not been reported in the literature in individuals affected with SMCHD1-related conditions. Advanced modeling of protein sequence and biophysical properties (such as structural, functional, and spatial information, amino acid conservation, physicochemical variation, residue mobility, and thermodynamic stability) performed at Invitae indicates that this missense variant is not expected to disrupt SMCHD1 protein function with a negative predictive value of 80%. In summary, the available evidence is currently insufficient to determine the role of this variant in disease. Therefore, it has been classified as a Variant of Uncertain Significance.

NM_015295.3(SMCHD1):c.931A>G (p.Ile311Val)

Gene: SMCHD1 (structural maintenance of chromosomes flexible hinge domain containing 1; plus strand). Cytogenetic location: 18p11.32.
Variant type: single nucleotide variant.
Coding change: c.931A>G on transcript NM_015295.3 (MANE Select); coding-DNA position 931, A replaced by G.
Protein change: p.Ile311Val; replaces isoleucine 311 with valine.
Molecular consequence: missense variant.
Genome position (GRCh38, 1-based): chr18:2,694,584, A>G. VCF-style: chr18-2694584-A-G. GRCh37 (hg19) VCF-style: chr18-2694582-A-G.
Other names: short protein forms I311V.
Identifiers: ClinVar variation 3730458 (VCV003730458.2).